The following is an entry in ClinVar:

NM_012210.4(TRIM32):c.1191C>G (p.Val397=)

Genes: ASTN2 (astrotactin 2; minus strand), TRIM32 (tripartite motif containing 32; plus strand). Cytogenetic location: 9q33.1.
Variant type: single nucleotide variant.
Coding change: c.1191C>G on transcript NM_012210.4 (MANE Select); coding-DNA position 1191, C replaced by G.
Protein change: p.Val397=; no amino-acid change (valine 397 retained).
Molecular consequence: synonymous variant. On other transcripts: intron variant (3).
Genome position (GRCh38, 1-based): chr9:116,698,933, C>G. VCF-style: chr9-116698933-C-G. GRCh37 (hg19) VCF-style: chr9-119461212-C-G.
Other names: c.1191C>G, p.Val397= (NM_001099679.2, NM_001379048.1, NM_001379049.1 and 1 more transcripts); c.2653+26838G>C (NM_014010.5); c.2794+26838G>C (NM_001365069.1); c.2806+26838G>C (NM_001365068.1).
Identifiers: ClinVar variation 1141188 (VCV001141188.12), dbSNP rs757752867, ClinGen allele CA5211114.

ClinVar aggregate classification (germline): Likely benign. Review status: criteria provided, multiple submitters, no conflicts (2 of 4 stars). 4 submissions from 4 submitters: Likely benign (3). 1 of the submissions does not count toward it. Last evaluated 2025-12-17.

Conditions:
TRIM32-related disorder. Also called: TRIM32-related condition.
Bardet-Biedl syndrome (BBS). Identifiers: Orphanet 110, MedGen C0752166, MONDO:0015229.

Allele frequency attached by ClinVar (database versions not stated): ExAC 0.00002; gnomAD exomes 0.00002; gnomAD 0.00003; TOPMed 0.00003.
gnomAD v4.1: 41 of 1,614,088 alleles (0.0025%); highest among the groups gnomAD compares: Non-Finnish European, 0.0034%; no homozygotes.

Submissions (4):

Labcorp Genetics (formerly Invitae), Labcorp
Classification: Likely benign for Bardet-Biedl syndrome. Last evaluated: 2025-12-17. Review status: criteria provided, single submitter. Criteria: Invitae Variant Classification Sherloc (09022015). Collection method: clinical testing. Allele origin: germline.

PreventionGenetics, part of Exact Sciences
Classification: Likely benign for TRIM32-related condition. Last evaluated: 2024-10-15. Review status: criteria provided, single submitter. Criteria: ACMG Guidelines, 2015. Collection method: clinical testing. Allele origin: germline.
Comment: This variant is classified as likely benign based on ACMG/AMP sequence variant interpretation guidelines (Richards et al. 2015 PMID: 25741868, with internal and published modifications).

Blueprint Genetics
Classification: Likely benign. Last evaluated: 2023-04-06. Review status: criteria provided, single submitter. Criteria: ACMG Guidelines, 2015. Collection method: clinical testing. Allele origin: germline.

Genome Diagnostics Laboratory, Amsterdam University Medical Center
Classification: Likely benign. Review status: no assertion criteria provided. Collection method: clinical testing. Allele origin: germline. Affected: yes. Study: VKGL Data-share Consensus. Not counted in ClinVar's aggregate classification.